The following is an entry in ClinVar:

ClinVar aggregate classification (germline): Uncertain significance. Review status: criteria provided, multiple submitters, no conflicts (2 of 4 stars). 3 submissions from 3 submitters: Uncertain significance (3). Last evaluated 2024-05-25.

Conditions:
Bardet-Biedl syndrome (BBS). Identifiers: Orphanet 110, MedGen C0752166, MONDO:0015229.
Retinitis pigmentosa 74 (RP74). Identifiers: Orphanet 791, MedGen C4225281, MONDO:0014692, OMIM 616562.
Bardet-Biedl syndrome 2 (BBS2). Identifiers: Orphanet 110, MedGen C2936863, MONDO:0014432, OMIM 615981.
Inborn genetic diseases. Identifiers: MedGen C0950123, MeSH D030342.

Allele frequency attached by ClinVar (database versions not stated): gnomAD exomes 0.00001; ExAC 0.00002; gnomAD 0.00002 and 0.00003; TOPMed 0.00002.

Submissions (3):

Fulgent Genetics
Classification: Uncertain significance for Bardet-Biedl syndrome 2; Retinitis pigmentosa 74. Last evaluated: 2024-05-25. Review status: criteria provided, single submitter. Criteria: ACMG Guidelines, 2015. Collection method: clinical testing. Allele origin: germline.

Ambry Genetics
Classification: Uncertain significance for Inborn genetic diseases. Last evaluated: 2022-07-12. Review status: criteria provided, single submitter. Criteria: Ambry Variant Classification Scheme 2023. Collection method: clinical testing. Allele origin: germline.

Labcorp Genetics (formerly Invitae), Labcorp
Classification: Uncertain significance for Bardet-Biedl syndrome. Last evaluated: 2021-11-15. Review status: criteria provided, single submitter. Criteria: Invitae Variant Classification Sherloc (09022015). Collection method: clinical testing. Allele origin: germline.
Comment: This sequence change replaces isoleucine, which is neutral and non-polar, with valine, which is neutral and non-polar, at codon 702 of the BBS2 protein (p.Ile702Val). This variant is present in population databases (rs750150867, gnomAD 0.006%). This variant has not been reported in the literature in individuals affected with BBS2-related conditions. Algorithms developed to predict the effect of missense changes on protein structure and function are either unavailable or do not agree on the potential impact of this missense change (SIFT: "Tolerated"; PolyPhen-2: "Possibly Damaging"; Align-GVGD: "Class C15"). Algorithms developed to predict the effect of sequence changes on RNA splicing suggest that this variant may create or strengthen a splice site. In summary, the available evidence is currently insufficient to determine the role of this variant in disease. Therefore, it has been classified as a Variant of Uncertain Significance.

NM_031885.5(BBS2):c.2104A>G (p.Ile702Val)

Gene: BBS2 (Bardet-Biedl syndrome 2; minus strand). Cytogenetic location: 16q13.
Variant type: single nucleotide variant.
Coding change: c.2104A>G on transcript NM_031885.5 (MANE Select); coding-DNA position 2104, A replaced by G.
Protein change: p.Ile702Val; replaces isoleucine 702 with valine.
Molecular consequence: missense variant. On other transcripts: non-coding transcript variant (5).
Genome position (GRCh38, 1-based): chr16:56,484,823, T>C on the plus strand (A>G on the coding strand, the complement: BBS2 is on the minus strand). VCF-style: chr16-56484823-T-C. GRCh37 (hg19) VCF-style: chr16-56518735-T-C.
Other names: c.2104A>G (NM_031885.3); c.2104A>G, p.Ile702Val (NM_001377456.1); short protein forms I702V.
Identifiers: ClinVar variation 1401527 (VCV001401527.5), dbSNP rs750150867, ClinGen allele CA8065522.